The following is an entry in ClinVar:

ClinVar aggregate classification (germline): Uncertain significance (1 of 4 stars; one submission).

gnomAD v4.1: 3 of 1,613,586 alleles (0.00019%); highest among the groups gnomAD compares: African/African-American, 0.0027%; no homozygotes.

Submission:

Labcorp Genetics (formerly Invitae), Labcorp
Classification: Uncertain significance. Last evaluated: 2021-12-02. Review status: criteria provided, single submitter. Criteria: Invitae Variant Classification Sherloc (09022015). Collection method: clinical testing. Allele origin: germline.
Comment: In summary, the available evidence is currently insufficient to determine the role of this variant in disease. Therefore, it has been classified as a Variant of Uncertain Significance. Algorithms developed to predict the effect of missense changes on protein structure and function (SIFT, PolyPhen-2, Align-GVGD) all suggest that this variant is likely to be tolerated. This variant has not been reported in the literature in individuals affected with TNFAIP3-related conditions. This variant is not present in population databases (gnomAD no frequency). This sequence change replaces glycine, which is neutral and non-polar, with aspartic acid, which is acidic and polar, at codon 750 of the TNFAIP3 protein (p.Gly750Asp).

NM_001270508.2(TNFAIP3):c.2249G>A (p.Gly750Asp)

Gene: TNFAIP3 (TNF alpha induced protein 3; plus strand). Cytogenetic location: 6q23.3.
Variant type: single nucleotide variant.
Coding change: c.2249G>A on transcript NM_001270508.2 (MANE Select); coding-DNA position 2249, G replaced by A.
Protein change: p.Gly750Asp; replaces glycine 750 with aspartic acid.
Molecular consequence: missense variant.
Genome position (GRCh38, 1-based): chr6:137,881,195, G>A. VCF-style: chr6-137881195-G-A. GRCh37 (hg19) VCF-style: chr6-138202332-G-A.
Other names: c.2249G>A, p.Gly750Asp (NM_001270507.2, NM_006290.4); short protein forms G750D.
Identifiers: ClinVar variation 1925601 (VCV001925601.5), dbSNP rs1016313423, ClinGen allele CA148265688.